The following is an entry in ClinVar:

NM_003151.4(STAT4):c.1715+5G>A

Gene: STAT4 (signal transducer and activator of transcription 4; minus strand). Cytogenetic location: 2q32.2.
Variant type: single nucleotide variant.
Coding change: c.1715+5G>A on transcript NM_003151.4 (MANE Select); 5 bases into the intron after coding-DNA position 1715, G replaced by A.
Molecular consequence: intron variant.
Genome position (GRCh38, 1-based): chr2:191,033,906, C>T on the plus strand (G>A on the coding strand, the complement: STAT4 is on the minus strand). VCF-style: chr2-191033906-C-T. GRCh37 (hg19) VCF-style: chr2-191898632-C-T.
Other names: c.1715+5G>A (NM_001243835.2).
Identifiers: ClinVar variation 2830655 (VCV002830655.3), dbSNP rs1695968516, ClinGen allele CA1316299053.
Genomic context (GRCh38, chr2:191,033,906, plus strand): 5'-AAACCAATAACAACAGAAAAAAAGAACATAATTAACTCATATGAAAAATATAGCCTATAA[C>T]TTACCCATCAATCCAAAGGGGAAGAATGTGTTTCTTAATTAGATCCAATATTGCTTCAAG-3'

ClinVar aggregate classification (germline): Uncertain significance (1 of 4 stars; one submission).

Allele frequency attached by ClinVar (database versions not stated): gnomAD exomes below 0.00001.

Submission:

Labcorp Genetics (formerly Invitae), Labcorp
Classification: Uncertain significance. Last evaluated: 2025-05-01. Review status: criteria provided, single submitter. Criteria: Invitae Variant Classification Sherloc (09022015). Collection method: clinical testing. Allele origin: germline.
Comment: This sequence change falls in intron 19 of the STAT4 gene. It does not directly change the encoded amino acid sequence of the STAT4 protein. It affects a nucleotide within the consensus splice site. This variant is not present in population databases (gnomAD no frequency). This variant has not been reported in the literature in individuals affected with STAT4-related conditions. ClinVar contains an entry for this variant (Variation ID: 2830655). Variants that disrupt the consensus splice site are a relatively common cause of aberrant splicing (PMID: 17576681, 9536098). Algorithms developed to predict the effect of sequence changes on RNA splicing suggest that this variant may disrupt the consensus splice site. In summary, the available evidence is currently insufficient to determine the role of this variant in disease. Therefore, it has been classified as a Variant of Uncertain Significance.

Literature cited by the submitters: PubMed 17576681; PubMed 9536098.